The following is an entry in ClinVar:

ClinVar aggregate classification (germline): Uncertain significance. Review status: criteria provided, multiple submitters, no conflicts (2 of 4 stars). 2 submissions from 2 submitters: Uncertain significance (2). Last evaluated 2025-05-19.

Allele frequency attached by ClinVar (database versions not stated): ExAC 0.00002; gnomAD 0.00002; gnomAD exomes 0.00002.

Submissions (2):

Labcorp Genetics (formerly Invitae), Labcorp
Classification: Uncertain significance. Last evaluated: 2025-05-19. Review status: criteria provided, single submitter. Criteria: Invitae Variant Classification Sherloc (09022015). Collection method: clinical testing. Allele origin: germline.
Comment: This sequence change replaces arginine, which is basic and polar, with cysteine, which is neutral and slightly polar, at codon 179 of the ANKZF1 protein (p.Arg179Cys). This variant is present in population databases (rs766242317, gnomAD 0.003%). This variant has not been reported in the literature in individuals affected with ANKZF1-related conditions. ClinVar contains an entry for this variant (Variation ID: 1474993). An algorithm developed to predict the effect of missense changes on protein structure and function outputs the following: PolyPhen-2: "Possibly Damaging". The cysteine amino acid residue is found in multiple mammalian species, which suggests that this missense change does not adversely affect protein function. In summary, the available evidence is currently insufficient to determine the role of this variant in disease. Therefore, it has been classified as a Variant of Uncertain Significance.

Ambry Genetics
Classification: Uncertain significance. Last evaluated: 2024-11-23. Review status: criteria provided, single submitter. Criteria: Ambry Variant Classification Scheme 2023. Collection method: clinical testing. Allele origin: germline.

NM_018089.3(ANKZF1):c.535C>T (p.Arg179Cys)

Gene: ANKZF1 (ankyrin repeat and zinc finger peptidyl tRNA hydrolase 1; plus strand). Cytogenetic location: 2q35.
Variant type: single nucleotide variant.
Coding change: c.535C>T on transcript NM_018089.3 (MANE Select); coding-DNA position 535, C replaced by T.
Protein change: p.Arg179Cys; replaces arginine 179 with cysteine.
Molecular consequence: missense variant. On other transcripts: 5 prime UTR variant (1).
Genome position (GRCh38, 1-based): chr2:219,232,660, C>T. VCF-style: chr2-219232660-C-T. GRCh37 (hg19) VCF-style: chr2-220097382-C-T.
Other names: c.535C>T (NM_018089.2); c.535C>T, p.Arg179Cys (NM_001042410.2); c.-96C>T (NM_001282792.2); short protein forms R179C.
Identifiers: ClinVar variation 1474993 (VCV001474993.7), dbSNP rs766242317, ClinGen allele CA2120769.
Genomic context (GRCh38, chr2:219,232,660, plus strand): 5'-GGCTTTTACCCTCATCGAGTTCTTTTCCAGAATGCCCAGGGCCAGTTTCTTTATGCCTAC[C>T]GCTGTGTCCTAGGCCCTCATCAGGCAAGTGACAGTACAGGTTGCATGGCTAACCCCAGCC-3'
Protein context (NP_060559.2, residues 169-189): NAQGQFLYAY[Arg179Cys]CVLGPHQDPP